The following is an entry in ClinVar:

ClinVar aggregate classification (germline): Uncertain significance (1 of 4 stars; one submission).

Submission:

Labcorp Genetics (formerly Invitae), Labcorp
Classification: Uncertain significance. Last evaluated: 2024-01-06. Review status: criteria provided, single submitter. Criteria: Invitae Variant Classification Sherloc (09022015). Collection method: clinical testing. Allele origin: germline.
Comment: This sequence change replaces methionine, which is neutral and non-polar, with isoleucine, which is neutral and non-polar, at codon 202 of the HCCS protein (p.Met202Ile). This variant is not present in population databases (gnomAD no frequency). This variant has not been reported in the literature in individuals affected with HCCS-related conditions. An algorithm developed to predict the effect of missense changes on protein structure and function (PolyPhen-2) suggests that this variant is likely to be tolerated. In summary, the available evidence is currently insufficient to determine the role of this variant in disease. Therefore, it has been classified as a Variant of Uncertain Significance.

NM_005333.5(HCCS):c.606G>C (p.Met202Ile)

Gene: HCCS (holocytochrome c synthase; plus strand). Cytogenetic location: Xp22.2.
Variant type: single nucleotide variant.
Coding change: c.606G>C on transcript NM_005333.5 (MANE Select); coding-DNA position 606, G replaced by C.
Protein change: p.Met202Ile; replaces methionine 202 with isoleucine.
Molecular consequence: missense variant.
Genome position (GRCh38, 1-based): chrX:11,120,991, G>C. VCF-style: chrX-11120991-G-C. GRCh37 (hg19) VCF-style: chrX-11139111-G-C.
Other names: c.606G>C, p.Met202Ile (NM_001122608.3, NM_001171991.3); short protein forms M202I.
Identifiers: ClinVar variation 2724725 (VCV002724725.3), dbSNP rs2045487467, ClinGen allele CA412055334.
Genomic context (GRCh38, chrX:11,120,991, plus strand): 5'-GATCCGGTTTGGAGGGAAAGCAAAAGAGTATTCACCAAGGGCACGAATTCGTTCCTGGAT[G>C]GGGTGAGTGTCAGCGCAGAAGTGTTGTTTCACCATCCTCAGGTCAGGGTCAACTTTCTCT-3'
Protein context (NP_005324.3, residues 192-212): YSPRARIRSW[Met202Ile]GYELPFDRHD